The following is an entry in ClinVar:

NM_031418.4(ANO3):c.100C>G (p.Arg34Gly)

Gene: ANO3 (anoctamin 3; plus strand). Cytogenetic location: 11p14.2.
Variant type: single nucleotide variant.
Coding change: c.100C>G on transcript NM_031418.4 (MANE Select); coding-DNA position 100, C replaced by G.
Protein change: p.Arg34Gly; replaces arginine 34 with glycine.
Molecular consequence: missense variant.
Genome position (GRCh38, 1-based): chr11:26,441,971, C>G. VCF-style: chr11-26441971-C-G. GRCh37 (hg19) VCF-style: chr11-26463518-C-G.
Other names: c.283C>G, p.Arg95Gly (NM_001313726.2); short protein forms R34G, R95G.
Identifiers: ClinVar variation 1308907 (VCV001308907.6), dbSNP rs373387931, ClinGen allele CA5925454.

ClinVar aggregate classification (germline): Uncertain significance. Review status: criteria provided, multiple submitters, no conflicts (2 of 4 stars). 2 submissions from 2 submitters: Uncertain significance (2). Last evaluated 2022-04-01.

Conditions:
Dystonic disorder. Also called: Dystonia. Identifiers: MedGen C0013421, MONDO:0003441, HP:0001332.

Allele frequency attached by ClinVar (database versions not stated): gnomAD 0.00001; gnomAD exomes 0.00001; ExAC 0.00002; ESP Exome Variant Server 0.00023.
gnomAD v4.1: 63 of 1,614,080 alleles (0.0039%); highest among the groups gnomAD compares: Non-Finnish European, 0.0047%; no homozygotes.

Submissions (2):

Labcorp Genetics (formerly Invitae), Labcorp
Classification: Uncertain significance for Dystonic disorder. Last evaluated: 2022-04-01. Review status: criteria provided, single submitter. Criteria: Invitae Variant Classification Sherloc (09022015). Collection method: clinical testing. Allele origin: germline.
Comment: In summary, the available evidence is currently insufficient to determine the role of this variant in disease. Therefore, it has been classified as a Variant of Uncertain Significance. Advanced modeling of protein sequence and biophysical properties (such as structural, functional, and spatial information, amino acid conservation, physicochemical variation, residue mobility, and thermodynamic stability) performed at Invitae indicates that this missense variant is not expected to disrupt ANO3 protein function. ClinVar contains an entry for this variant (Variation ID: 1308907). This variant has not been reported in the literature in individuals affected with ANO3-related conditions. This variant is present in population databases (rs373387931, gnomAD 0.004%). This sequence change replaces arginine, which is basic and polar, with glycine, which is neutral and non-polar, at codon 34 of the ANO3 protein (p.Arg34Gly).

GeneDx
Classification: Uncertain significance. Last evaluated: 2019-10-07. Review status: criteria provided, single submitter. Criteria: GeneDx Variant Classification Process June 2021. Collection method: clinical testing. Allele origin: germline. Affected: yes.
Comment: In silico analysis, which includes protein predictors and evolutionary conservation, supports a deleterious effect; Has not been previously published as pathogenic or benign to our knowledge